The following is an entry in ClinVar:

ClinVar aggregate classification (germline): Likely pathogenic (1 of 4 stars; one submission).

Conditions:
Camptodactyly-arthropathy-coxa vara-pericarditis syndrome. Also called: PAC SYNDROME; FIBROSING SEROSITIS, FAMILIAL; Arthropathy camptodactyly syndrome; Pericarditis arthropathy camptodactyly syndrome; Congenital familial hypertrophic synovitis; JACOBS SYNDROME. Identifiers: Orphanet 2848, MedGen C1859690, MONDO:0008828, OMIM 208250.

Submission:

Illumina Laboratory Services, Illumina
Classification: Likely pathogenic for Camptodactyly-arthropathy-coxa vara-pericarditis syndrome. Last evaluated: 2019-12-06. Review status: criteria provided, single submitter. Criteria: ICSLVariantClassificationCriteria RUGD 01 April 2020. Collection method: clinical testing. Allele origin: unknown.
Comment: The PRG4 c.23_26dupTTTA p.(Leu11ProfsTer31) variant causes a shift in the protein reading frame that is predicted to result in premature termination of the protein. Loss of normal protein function through either protein truncation or nonsense-mediated mRNA decay is expected. To our knowledge, this variant has not been reported in the peer-reviewed literature. This variant is not observed in version 2.1.1 or version 4.0.0 of the Genome Aggregation Database. Based on the evidence, the c.23_26dupTTTA p.(Leu11ProfsTer31) variant is classified as likely pathogenic for camptodactyly-arthropathy-coxa vara-pericarditis syndrome.

NM_005807.6(PRG4):c.23_26dup (p.Leu11fs)

Gene: PRG4 (proteoglycan 4; plus strand). Cytogenetic location: 1q31.1.
Variant type: Duplication.
Coding change: c.23_26dup on transcript NM_005807.6 (MANE Select); coding-DNA positions 23 to 26, 4 bases duplicated (TTTA; older notation c.23_26dupTTTA).
Protein change: p.Leu11fs; shifts the reading frame from leucine 11.
Molecular consequence: frameshift variant.
Genome position (GRCh38, 1-based): chr1:186,296,898-186,296,901, TTTA duplicated; duplicating any 4 consecutive bases within chr1:186,296,897-186,296,901 gives the same sequence; the c. name uses the placement nearest the transcript's 3' end. VCF-style (leftmost placement, unchanged base first): chr1-186296896-C-CATTT. GRCh37 (hg19) VCF-style: chr1-186266028-C-CATTT.
Other names: c.23_26dup, p.Leu11fs (NM_001127708.3, NM_001127709.3, NM_001127710.3 and 1 more transcripts); short protein forms L11fs.
Identifiers: ClinVar variation 3062118 (VCV003062118.1), dbSNP rs2526327036, ClinGen allele CA2740090425.